The following is an entry in ClinVar:

ClinVar aggregate classification (germline): Uncertain significance. Review status: criteria provided, multiple submitters, no conflicts (2 of 4 stars). 2 submissions from 2 submitters: Uncertain significance (2). Last evaluated 2025-09-22.

Conditions:
Inborn genetic diseases. Identifiers: MedGen C0950123, MeSH D030342.

gnomAD v4.1: 14 of 1,613,698 alleles (0.00087%); highest among the groups gnomAD compares: Middle Eastern, 0.017%; no homozygotes.

Submissions (2):

Ambry Genetics
Classification: Uncertain significance for Inborn genetic diseases. Last evaluated: 2025-09-22. Review status: criteria provided, single submitter. Criteria: Ambry Variant Classification Scheme 2023. Collection method: clinical testing. Allele origin: germline.

Labcorp Genetics (formerly Invitae), Labcorp
Classification: Uncertain significance. Last evaluated: 2022-06-08. Review status: criteria provided, single submitter. Criteria: Invitae Variant Classification Sherloc (09022015). Collection method: clinical testing. Allele origin: germline.
Comment: This sequence change replaces threonine, which is neutral and polar, with methionine, which is neutral and non-polar, at codon 3000 of the FAT4 protein (p.Thr3000Met). This variant is present in population databases (no rsID available, gnomAD 0.005%). This variant has not been reported in the literature in individuals affected with FAT4-related conditions. Advanced modeling of protein sequence and biophysical properties (such as structural, functional, and spatial information, amino acid conservation, physicochemical variation, residue mobility, and thermodynamic stability) performed at Invitae indicates that this missense variant is not expected to disrupt FAT4 protein function. In summary, the available evidence is currently insufficient to determine the role of this variant in disease. Therefore, it has been classified as a Variant of Uncertain Significance.

NM_001291303.3(FAT4):c.9005C>T (p.Thr3002Met)

Gene: FAT4 (FAT atypical cadherin 4; plus strand). Cytogenetic location: 4q28.1.
Variant type: single nucleotide variant.
Coding change: c.9005C>T on transcript NM_001291303.3 (MANE Select); coding-DNA position 9005, C replaced by T.
Protein change: p.Thr3002Met; replaces threonine 3002 with methionine.
Molecular consequence: missense variant.
Genome position (GRCh38, 1-based): chr4:125,450,015, C>T. VCF-style: chr4-125450015-C-T. GRCh37 (hg19) VCF-style: chr4-126371170-C-T.
Other names: c.9005C>T, p.Thr3002Met (NM_001291285.3); c.8999C>T, p.Thr3000Met (NM_024582.6); c.8999C>T (NM_024582.4); short protein forms T3002M, T3000M.
Identifiers: ClinVar variation 1965333 (VCV001965333.3), dbSNP rs1435573726, ClinGen allele CA358148848.
Genomic context (GRCh38, chr4:125,450,015, plus strand): 5'-CACCTCAATTTCTTAAAAGTAAATATTTCACTCCAGTCACCAAAAATGTTAAGGTTGGTA[C>T]GAAGTTAATCAGAGTTACAGCAATAGATGACAAAGATTTTGGACTGAATTCAGAAGTGGA-3'
Protein context (NP_001278232.1, residues 2992-3012): TPVTKNVKVG[Thr3002Met]KLIRVTAIDD